The following is an entry in ClinVar:

ClinVar aggregate classification (germline): Uncertain significance (1 of 4 stars; one submission).

Conditions:
Myopathy, proximal, and ophthalmoplegia (CMYO6). Also called: MYOPATHY WITH CONGENITAL JOINT CONTRACTURES, OPHTHALMOPLEGIA, AND RIMMED VACUOLES; INCLUSION BODY MYOPATHY 3, AUTOSOMAL DOMINANT; CONGENITAL MYOPATHY 6 WITH OPHTHALMOPLEGIA. Identifiers: Orphanet 363677, Orphanet 79091, MedGen C1854106, MONDO:0011577, OMIM 605637.

gnomAD v4.1: 17 of 1,614,038 alleles (0.0011%); highest among the groups gnomAD compares: Non-Finnish European, 0.0014%; no homozygotes.

Submission:

Labcorp Genetics (formerly Invitae), Labcorp
Classification: Uncertain significance for Myopathy, proximal, and ophthalmoplegia. Last evaluated: 2025-12-10. Review status: criteria provided, single submitter. Criteria: Invitae Variant Classification Sherloc (09022015). Collection method: clinical testing. Allele origin: germline.
Comment: This sequence change replaces aspartic acid, which is acidic and polar, with glycine, which is neutral and non-polar, at codon 1015 of the MYH2 protein (p.Asp1015Gly). This variant is present in population databases (no rsID available, gnomAD 0.0009%). This variant has not been reported in the literature in individuals affected with MYH2-related conditions. Invitae Evidence Modeling of protein sequence and biophysical properties (such as structural, functional, and spatial information, amino acid conservation, physicochemical variation, residue mobility, and thermodynamic stability) indicates that this missense variant is expected to disrupt MYH2 protein function with a positive predictive value of 80%. In summary, the available evidence is currently insufficient to determine the role of this variant in disease. Therefore, it has been classified as a Variant of Uncertain Significance.

NM_017534.6(MYH2):c.3044A>G (p.Asp1015Gly)

Genes: MYHAS (myosin heavy chain gene cluster antisense RNA; plus strand), MYH2 (myosin heavy chain 2; minus strand). Cytogenetic location: 17p13.1.
Variant type: single nucleotide variant.
Coding change: c.3044A>G on transcript NM_017534.6 (MANE Select); coding-DNA position 3044, A replaced by G.
Protein change: p.Asp1015Gly; replaces aspartic acid 1015 with glycine.
Molecular consequence: missense variant.
Genome position (GRCh38, 1-based): chr17:10,529,637, T>C on the plus strand (A>G on the coding strand, the complement: MYH2 is on the minus strand). VCF-style: chr17-10529637-T-C. GRCh37 (hg19) VCF-style: chr17-10432954-T-C.
Other names: c.3044A>G, p.Asp1015Gly (NM_001100112.2); short protein forms D1015G.
Identifiers: ClinVar variation 4811645 (VCV004811645.1).
Genomic context (GRCh38, chr17:10,529,637, plus strand): 5'-TGTTCAAGTTTGATTTTAGCTTTGGTCAGGGTGTTGACTTTGTCCTCCTCTGCCTGCAGG[T>C]CATCCAGGGTCTGCTGGTGGGCCTCCTGGAGAGCCTTCTTCTCCTTGGTCAGCTTAGCAA-3'
Protein context (NP_060004.3, residues 1005-1025): LQEAHQQTLD[Asp1015Gly]LQAEEDKVNT